The following is an entry in ClinVar:

ClinVar aggregate classification (germline): Uncertain significance (1 of 4 stars; one submission).

Conditions:
3-methylglutaconic aciduria type 1 (MGCA1). Identifiers: Orphanet 67046, MedGen C0342727, MONDO:0009610, OMIM 250950.

gnomAD v4.1: 3 of 1,613,426 alleles (0.00019%); highest among the groups gnomAD compares: Admixed American, 0.005%; no homozygotes.

Submission:

Labcorp Genetics (formerly Invitae), Labcorp
Classification: Uncertain significance for 3-methylglutaconic aciduria type 1. Last evaluated: 2019-04-23. Review status: criteria provided, single submitter. Criteria: Invitae Variant Classification Sherloc (09022015). Collection method: clinical testing. Allele origin: germline.
Comment: This variant has not been reported in the literature in individuals with AUH-related conditions. Algorithms developed to predict the effect of missense changes on protein structure and function (SIFT, PolyPhen-2, Align-GVGD) all suggest that this variant is likely to be tolerated, but these predictions have not been confirmed by published functional studies and their clinical significance is uncertain. In summary, the available evidence is currently insufficient to determine the role of this variant in disease. Therefore, it has been classified as a Variant of Uncertain Significance. This variant is not present in population databases (ExAC no frequency). This sequence change replaces isoleucine with phenylalanine at codon 129 of the AUH protein (p.Ile129Phe). The isoleucine residue is weakly conserved and there is a small physicochemical difference between isoleucine and phenylalanine.

NM_001698.3(AUH):c.385A>T (p.Ile129Phe)

Gene: AUH (AU RNA binding methylglutaconyl-CoA hydratase; minus strand). Cytogenetic location: 9q22.31.
Variant type: single nucleotide variant.
Coding change: c.385A>T on transcript NM_001698.3 (MANE Select); coding-DNA position 385, A replaced by T.
Protein change: p.Ile129Phe; replaces isoleucine 129 with phenylalanine.
Molecular consequence: missense variant.
Genome position (GRCh38, 1-based): chr9:91,355,916, T>A on the plus strand (A>T on the coding strand, the complement: AUH is on the minus strand). VCF-style: chr9-91355916-T-A. GRCh37 (hg19) VCF-style: chr9-94118198-T-A.
Other names: c.385A>T, p.Ile129Phe (NM_001306190.2); c.58A>T, p.Ile20Phe (NM_001351431.2, NM_001351432.2, NM_001351433.2); short protein forms I129F, I20F.
Identifiers: ClinVar variation 854699 (VCV000854699.10), dbSNP rs1423043030, ClinGen allele CA373835893.